The following is an entry in ClinVar:

ClinVar aggregate classification (germline): Likely pathogenic (1 of 4 stars; one submission).

Submission:

Labcorp Genetics (formerly Invitae), Labcorp
Classification: Likely pathogenic. Last evaluated: 2025-06-15. Review status: criteria provided, single submitter. Criteria: Invitae Variant Classification Sherloc (09022015). Collection method: clinical testing. Allele origin: germline.
Comment: This sequence change affects a donor splice site in intron 6 of the IL6ST gene. It is expected to disrupt RNA splicing. Variants that disrupt the donor or acceptor splice site typically lead to a loss of protein function (PMID: 16199547), and loss-of-function variants in IL6ST are known to be pathogenic (PMID: 31914175). This variant is not present in population databases (gnomAD no frequency). This variant has not been reported in the literature in individuals affected with IL6ST-related conditions. Algorithms developed to predict the effect of sequence changes on RNA splicing suggest that this variant may disrupt the consensus splice site. In summary, the currently available evidence indicates that the variant is pathogenic, but additional data are needed to prove that conclusively. Therefore, this variant has been classified as Likely Pathogenic.

Literature cited by the submitters: PubMed 16199547; PubMed 31914175.

NM_002184.4(IL6ST):c.658+1G>A

Gene: IL6ST (interleukin 6 cytokine family signal transducer; minus strand). Cytogenetic location: 5q11.2.
Variant type: single nucleotide variant.
Coding change: c.658+1G>A on transcript NM_002184.4 (MANE Select); the canonical splice donor site of the intron after coding-DNA position 658, G replaced by A.
Molecular consequence: splice donor variant.
Genome position (GRCh38, 1-based): chr5:55,964,145, C>T on the plus strand (G>A on the coding strand, the complement: IL6ST is on the minus strand). VCF-style: chr5-55964145-C-T. GRCh37 (hg19) VCF-style: chr5-55259973-C-T.
Other names: c.448+1G>A (NM_001364276.2); c.-256+1G>A (NM_001364279.2, NM_001364277.2); c.-246+1G>A (NM_001364278.2); c.658+1G>A (NM_175767.3, NM_001190981.2, NM_001364275.2).
Identifiers: ClinVar variation 4721504 (VCV004721504.1).